The following is an entry in ClinVar:

ClinVar aggregate classification (germline): Pathogenic. Review status: criteria provided, multiple submitters, no conflicts (2 of 4 stars). 2 submissions from 2 submitters: Pathogenic (2). Last evaluated 2025-05-14.

Conditions:
GNPTAB-mucolipidosis. Also called: UDP-N-acetylglucosamine-1-phosphotransferase subunit alpha/beta deficiency. Identifiers: MedGen CN322573, MONDO:0100122.
Mucolipidosis type II. Also called: Mucolipidosis 2; ML 2; Inclusion cell disease; Leroy Disease; N-acetylglucosamine 1phosphotransferase deficiency; ML disorder type 2. Identifiers: Orphanet 576, MedGen C2673377, MONDO:0009650, OMIM 252500.
Pseudo-Hurler polydystrophy. Also called: Type III Mucolipidosis; ML IIIA; Mucolipidosis III Alpha/Beta; MUCOLIPIDOSIS IIIA; ML III; ML III ALPHA/BETA. Identifiers: Orphanet 423461, Orphanet 577, MedGen C0033788, MONDO:0018931, OMIM 252600.

Submissions (2):

Myriad Genetics, Inc.
Classification: Pathogenic for GNPTAB-mucolipidosis. Last evaluated: 2025-05-14. Review status: criteria provided, single submitter. Criteria: Myriad Autosomal Dominant, Autosomal Recessive and X-Linked Classification Criteria (2023). Collection method: clinical testing. Allele origin: unknown.
Comment: NM_024312.4(GNPTAB):c.1503_1521dup19(G508Cfs*5) is expected to be pathogenic in the context of GNPTAB-related disorders. This variant is predicted to lead to an abnormal or absent protein product due to the creation of a premature termination codon in GNPTAB, a gene where loss-of-function variants are known to be pathogenic. Please note: this variant was assessed in the context of healthy population screening.

Labcorp Genetics (formerly Invitae), Labcorp
Classification: Pathogenic for Pseudo-Hurler polydystrophy; Mucolipidosis type II. Last evaluated: 2021-06-12. Review status: criteria provided, single submitter. Criteria: Invitae Variant Classification Sherloc (09022015). Collection method: clinical testing. Allele origin: germline.
Comment: For these reasons, this variant has been classified as Pathogenic. This sequence change creates a premature translational stop signal (p.Gly508Cysfs*5) in the GNPTAB gene. It is expected to result in an absent or disrupted protein product. Loss-of-function variants in GNPTAB are known to be pathogenic (PMID: 19617216, 25107912). This variant is not present in population databases (ExAC no frequency). This variant has not been reported in the literature in individuals with GNPTAB-related conditions. Algorithms developed to predict the effect of sequence changes on RNA splicing suggest that this variant may create or strengthen a splice site, but this prediction has not been confirmed by published transcriptional studies.

Literature cited by the submitters: PubMed 19617216 (cited by Labcorp Genetics (formerly Invitae), Labcorp); PubMed 25107912 (cited by Labcorp Genetics (formerly Invitae), Labcorp).

NM_024312.5(GNPTAB):c.1503_1521dup (p.Gly508delinsCysLeuLeuLeuTer)

Gene: GNPTAB (N-acetylglucosamine-1-phosphate transferase subunits alpha and beta; minus strand). Cytogenetic location: 12q23.2.
Variant type: Duplication.
Coding change: c.1503_1521dup on transcript NM_024312.5 (MANE Select); coding-DNA positions 1503 to 1521, 19 bases duplicated (TGTCTCTTACTGTAATCAG).
Protein change: p.Gly508delinsCysLeuLeuLeuTer.
Molecular consequence: nonsense.
Genome position (GRCh38, 1-based): chr12:101,766,182-101,766,200, CTGATTACAGTAAGAGACA duplicated on the plus strand (TGTCTCTTACTGTAATCAG on the coding strand, the reverse complement: GNPTAB is on the minus strand); duplicating any 19 consecutive bases within chr12:101,766,182-101,766,203 gives the same sequence; the c. name uses the placement nearest the transcript's 3' end. VCF-style (leftmost placement, unchanged base first): chr12-101766181-C-CCTGATTACAGTAAGAGACA. GRCh37 (hg19) VCF-style: chr12-102159959-C-CCTGATTACAGTAAGAGACA.
Identifiers: ClinVar variation 1431816 (VCV001431816.7), dbSNP rs2137119084, ClinGen allele CA2573147955.
Genomic context (GRCh38, chr12:101,766,181, plus strand): 5'-AGGACAAGACATTGCATGCTTGGTCACAGAACTTATCAGCGAGCCAGGAATTCGCACATC[C>CCTGATTACAGTAAGAGACA]CTGATTACAGTAAGAGACACTGTTTATTCCTCCACCAAACTGCCAGGGCTGTCCAACTCC-3'